The following is an entry in ClinVar:

NM_003803.4(MYOM1):c.1840A>G (p.Lys614Glu)

Gene: MYOM1 (myomesin 1; minus strand). Cytogenetic location: 18p11.31.
Variant type: single nucleotide variant.
Coding change: c.1840A>G on transcript NM_003803.4 (MANE Select); coding-DNA position 1840, A replaced by G.
Protein change: p.Lys614Glu; replaces lysine 614 with glutamic acid.
Molecular consequence: missense variant.
Genome position (GRCh38, 1-based): chr18:3,151,697, T>C on the plus strand (A>G on the coding strand, the complement: MYOM1 is on the minus strand). VCF-style: chr18-3151697-T-C. GRCh37 (hg19) VCF-style: chr18-3151695-T-C.
Other names: c.1840A>G, p.Lys614Glu (NM_019856.2); short protein forms K614E.
Identifiers: ClinVar variation 3223549 (VCV003223549.1), dbSNP rs2510668843, ClinGen allele CA401714003.

ClinVar aggregate classification (germline): Uncertain significance (1 of 4 stars; one submission).

Submission:

Ambry Genetics
Classification: Uncertain significance. Last evaluated: 2024-02-06. Review status: criteria provided, single submitter. Criteria: Ambry Variant Classification Scheme 2023. Collection method: clinical testing. Allele origin: germline.
Comment: The p.K614E variant (also known as c.1840A>G), located in coding exon 11 of the MYOM1 gene, results from an A to G substitution at nucleotide position 1840. The lysine at codon 614 is replaced by glutamic acid, an amino acid with similar properties. This amino acid position is conserved. In addition, this alteration is predicted to be tolerated by in silico analysis. Based on the available evidence, the clinical significance of this alteration remains unclear.